The following is an entry in ClinVar:

NM_001297.5(CNGB1):c.2881G>A (p.Ala961Thr)

Gene: CNGB1 (cyclic nucleotide gated channel subunit beta 1; minus strand). Cytogenetic location: 16q21.
Variant type: single nucleotide variant.
Coding change: c.2881G>A on transcript NM_001297.5 (MANE Select); coding-DNA position 2881, G replaced by A.
Protein change: p.Ala961Thr; replaces alanine 961 with threonine.
Molecular consequence: missense variant.
Genome position (GRCh38, 1-based): chr16:57,901,539, C>T on the plus strand (G>A on the coding strand, the complement: CNGB1 is on the minus strand). VCF-style: chr16-57901539-C-T. GRCh37 (hg19) VCF-style: chr16-57935443-C-T.
Other names: c.2863G>A, p.Ala955Thr (NM_001286130.2); short protein forms A955T, A961T.
Identifiers: ClinVar variation 1954797 (VCV001954797.2), dbSNP rs16942445, ClinGen allele CA8082791.

ClinVar aggregate classification (germline): Uncertain significance (1 of 4 stars; one submission).

Allele frequency attached by ClinVar (database versions not stated): 1000 Genomes Project 30x 0.00016.
gnomAD v4.1: 18 of 1,614,108 alleles (0.0011%); highest among the groups gnomAD compares: East Asian, 0.0045%; no homozygotes.

Submission:

Labcorp Genetics (formerly Invitae), Labcorp
Classification: Uncertain significance. Last evaluated: 2022-09-21. Review status: criteria provided, single submitter. Criteria: Invitae Variant Classification Sherloc (09022015). Collection method: clinical testing. Allele origin: germline.
Comment: This sequence change replaces alanine, which is neutral and non-polar, with threonine, which is neutral and polar, at codon 961 of the CNGB1 protein (p.Ala961Thr). This variant is present in population databases (rs16942445, gnomAD 0.01%). This variant has not been reported in the literature in individuals affected with CNGB1-related conditions. Advanced modeling of protein sequence and biophysical properties (such as structural, functional, and spatial information, amino acid conservation, physicochemical variation, residue mobility, and thermodynamic stability) performed at Invitae indicates that this missense variant is not expected to disrupt CNGB1 protein function. In summary, the available evidence is currently insufficient to determine the role of this variant in disease. Therefore, it has been classified as a Variant of Uncertain Significance.